The following is an entry in ClinVar:

ClinVar aggregate classification (germline): Likely benign. Review status: criteria provided, multiple submitters, no conflicts (2 of 4 stars). 2 submissions from 2 submitters: Likely benign (2). Last evaluated 2025-09-16.

Conditions:
Familial cancer of breast. Also called: Hereditary breast cancer; BREAST CANCER, FAMILIAL; hereditary breast carcinoma. Identifiers: Orphanet 227535, MedGen C0346153, MONDO:0016419, OMIM 114480. Disease mechanism: loss of function.
Fanconi anemia complementation group J. Also called: BRIP1-Related Fanconi Anemia. Identifiers: Orphanet 84, MedGen C1836860, MONDO:0012187, OMIM 609054.

Submissions (2):

Labcorp Genetics (formerly Invitae), Labcorp
Classification: Likely benign for Familial cancer of breast; Fanconi anemia complementation group J. Last evaluated: 2025-09-16. Review status: criteria provided, single submitter. Criteria: Invitae Variant Classification Sherloc (09022015). Collection method: clinical testing. Allele origin: germline.

Myriad Genetics, Inc.
Classification: Likely benign for Familial cancer of breast. Last evaluated: 2024-08-29. Review status: criteria provided, single submitter. Criteria: Myriad Autosomal Dominant, Autosomal Recessive and X-Linked Classification Criteria (2023). Collection method: clinical testing. Allele origin: unknown.
Comment: This variant is considered likely benign. This variant is intronic and is not expected to impact mRNA splicing.

NM_032043.3(BRIP1):c.1795-15G>A

Gene: BRIP1 (BRCA1 interacting DNA helicase 1; minus strand). Cytogenetic location: 17q23.2.
Variant type: single nucleotide variant.
Coding change: c.1795-15G>A on transcript NM_032043.3 (MANE Select); 15 bases into the intron before coding-DNA position 1795, G replaced by A.
Molecular consequence: intron variant.
Genome position (GRCh38, 1-based): chr17:61,780,416, C>T on the plus strand (G>A on the coding strand, the complement: BRIP1 is on the minus strand). VCF-style: chr17-61780416-C-T. GRCh37 (hg19) VCF-style: chr17-59857777-C-T.
Identifiers: ClinVar variation 2149629 (VCV002149629.5), dbSNP rs2077598935, ClinGen allele CA2269170334.